The following is an entry in ClinVar:

ClinVar aggregate classification (germline): Uncertain significance (1 of 4 stars; one submission).

Submission:

GeneDx
Classification: Uncertain significance. Last evaluated: 2024-04-08. Review status: criteria provided, single submitter. Criteria: GeneDx Variant Classification Process June 2021. Collection method: clinical testing. Allele origin: germline. Affected: yes.
Comment: Not observed at significant frequency in large population cohorts (gnomAD); In silico analysis indicates that this missense variant does not alter protein structure/function; Has not been previously published as pathogenic or benign to our knowledge

NM_003482.4(KMT2D):c.3583A>T (p.Thr1195Ser)

Genes: KMT2D (lysine methyltransferase 2D; minus strand), LOC126861520 (CDK7 strongly-dependent group 2 enhancer GRCh37_chr12:49442744-49443943; plus strand). Cytogenetic location: 12q13.12.
Variant type: single nucleotide variant.
Coding change: c.3583A>T on transcript NM_003482.4 (MANE Select); coding-DNA position 3583, A replaced by T.
Protein change: p.Thr1195Ser; replaces threonine 1195 with serine.
Molecular consequence: missense variant.
Genome position (GRCh38, 1-based): chr12:49,050,005, T>A on the plus strand (A>T on the coding strand, the complement: KMT2D is on the minus strand). VCF-style: chr12-49050005-T-A. GRCh37 (hg19) VCF-style: chr12-49443788-T-A.
Other names: short protein forms T1195S.
Identifiers: ClinVar variation 3372276 (VCV003372276.1).